The following is an entry in ClinVar:

ClinVar aggregate classification (germline): Uncertain significance (1 of 4 stars; one submission).

Conditions:
Cardiovascular phenotype. Identifiers: MedGen CN230736.

gnomAD v4.1: 2 of 1,605,012 alleles (0.00012%); highest among the groups gnomAD compares: African/African-American, 0.0027%; no homozygotes.

Submission:

Ambry Genetics
Classification: Uncertain significance for Cardiovascular phenotype. Last evaluated: 2024-12-31. Review status: criteria provided, single submitter. Criteria: Ambry Variant Classification Scheme 2023. Collection method: clinical testing. Allele origin: germline.
Comment: The p.F1288L variant (also known as c.3864C>A), located in coding exon 9 of the TNXB gene, results from a C to A substitution at nucleotide position 3864. The phenylalanine at codon 1288 is replaced by leucine, an amino acid with highly similar properties. This amino acid position is conserved. In addition, this alteration is predicted to be tolerated by in silico analysis. Based on the available evidence, the clinical significance of this variant remains unclear.

NM_001365276.2(TNXB):c.3864C>A (p.Phe1288Leu)

Gene: TNXB (tenascin XB; minus strand). Cytogenetic location: 6p21.33.
Variant type: single nucleotide variant.
Coding change: c.3864C>A on transcript NM_001365276.2 (MANE Select); coding-DNA position 3864, C replaced by A.
Protein change: p.Phe1288Leu; replaces phenylalanine 1288 with leucine.
Molecular consequence: missense variant.
Genome position (GRCh38, 1-based): chr6:32,081,546, G>T on the plus strand (C>A on the coding strand, the complement: TNXB is on the minus strand). VCF-style: chr6-32081546-G-T. GRCh37 (hg19) VCF-style: chr6-32049323-G-T.
Other names: c.4605C>A, p.Phe1535Leu (NM_001428335.1); c.3864C>A, p.Phe1288Leu (NM_019105.8); short protein forms F1535L, F1288L.
Identifiers: ClinVar variation 3809304 (VCV003809304.1).